The following is an entry in ClinVar:

NM_004385.5(VCAN):c.1526C>G (p.Pro509Arg)

Gene: VCAN (versican; plus strand). Cytogenetic location: 5q14.3.
Variant type: single nucleotide variant.
Coding change: c.1526C>G on transcript NM_004385.5 (MANE Select); coding-DNA position 1526, C replaced by G.
Protein change: p.Pro509Arg; replaces proline 509 with arginine.
Molecular consequence: missense variant. On other transcripts: intron variant (2).
Genome position (GRCh38, 1-based): chr5:83,519,832, C>G. VCF-style: chr5-83519832-C-G. GRCh37 (hg19) VCF-style: chr5-82815651-C-G.
Other names: c.1526C>G, p.Pro509Arg (NM_001164098.2); c.1042+7436C>G (NM_001164097.2, NM_001126336.3); short protein forms P509R.
Identifiers: ClinVar variation 958173 (VCV000958173.8), dbSNP rs150340554, ClinGen allele CA3332696.
Genomic context (GRCh38, chr5:83,519,832, plus strand): 5'-AGATTGAACAAATAGAAGTGGGTCCTTTGGTAACATCTATGGAAATCTTAAAGCACATTC[C>G]TTCCAAGGAATTCCCTGTAACTGAAACACCATTGGTAACTGCAAGAATGATCCTGGAATC-3'
Protein context (NP_004376.2, residues 499-519): VTSMEILKHI[Pro509Arg]SKEFPVTETP

ClinVar aggregate classification (germline): Uncertain significance. Review status: criteria provided, multiple submitters, no conflicts (2 of 4 stars). 3 submissions from 3 submitters: Uncertain significance (3). Last evaluated 2025-02-23.

Conditions:
Inborn genetic diseases. Identifiers: MedGen C0950123, MeSH D030342.

Allele frequency attached by ClinVar (database versions not stated): gnomAD exomes 0.00001; ExAC 0.00002; ESP Exome Variant Server 0.00008; gnomAD 0.00013 and 0.00014; TOPMed 0.00015.
gnomAD v4.1: 41 of 1,614,010 alleles (0.0025%); highest among the groups gnomAD compares: African/African-American, 0.048%; no homozygotes.

Submissions (3):

Labcorp Genetics (formerly Invitae), Labcorp
Classification: Uncertain significance. Last evaluated: 2025-02-23. Review status: criteria provided, single submitter. Criteria: Invitae Variant Classification Sherloc (09022015). Collection method: clinical testing. Allele origin: germline.
Comment: This sequence change replaces proline, which is neutral and non-polar, with arginine, which is basic and polar, at codon 509 of the VCAN protein (p.Pro509Arg). This variant is present in population databases (rs150340554, gnomAD 0.04%). This variant has not been reported in the literature in individuals affected with VCAN-related conditions. ClinVar contains an entry for this variant (Variation ID: 958173). An algorithm developed to predict the effect of missense changes on protein structure and function (PolyPhen-2) suggests that this variant is likely to be disruptive. In summary, the available evidence is currently insufficient to determine the role of this variant in disease. Therefore, it has been classified as a Variant of Uncertain Significance.

Blueprint Genetics
Classification: Uncertain significance. Last evaluated: 2023-12-07. Review status: criteria provided, single submitter. Criteria: ACMG Guidelines, 2015. Collection method: clinical testing. Allele origin: germline.

Ambry Genetics
Classification: Uncertain significance for Inborn genetic diseases. Last evaluated: 2021-12-07. Review status: criteria provided, single submitter. Criteria: Ambry Variant Classification Scheme 2023. Collection method: clinical testing. Allele origin: germline.